The following is an entry in ClinVar:

ClinVar aggregate classification (germline): Uncertain significance (1 of 4 stars; one submission).

Submission:

GeneDx
Classification: Uncertain significance. Last evaluated: 2023-05-18. Review status: criteria provided, single submitter. Criteria: GeneDx Variant Classification Process June 2021. Collection method: clinical testing. Allele origin: germline. Affected: yes.
Comment: Not observed at significant frequency in large population cohorts (gnomAD); In-frame deletion of one amino acid in a non-repeat region; Has not been previously published as pathogenic or benign to our knowledge

NM_001128840.3(CACNA1D):c.4138AAC[1] (p.Asn1381del)

Gene: CACNA1D (calcium voltage-gated channel subunit alpha1 D; plus strand). Cytogenetic location: 3p21.1.
Variant type: Microsatellite.
Coding change: c.4138AAC[1] on transcript NM_001128840.3 (MANE Select); one copy of the 3-base unit AAC starting at c.4138; the reference has two copies in a row; one copy, 3 bases deleted.
Protein change: p.Asn1381del; deletes asparagine 1381.
Molecular consequence: inframe deletion.
Genome position (GRCh38, 1-based): chr3:53,774,617-53,774,619, AAC deleted; deleting any 3 consecutive bases within chr3:53,774,614-53,774,619 gives the same sequence; the position shown is the placement nearest the transcript's 3' end. VCF-style (leftmost placement, unchanged base first): chr3-53774613-TAAC-T. GRCh37 (hg19) VCF-style: chr3-53808640-TAAC-T.
Other names: c.4198AAC[1], p.Asn1401del (NM_000720.4); c.4093AAC[1], p.Asn1366del (NM_001128839.3); short protein forms N1366del, N1381del, N1401del.
Identifiers: ClinVar variation 3343562 (VCV003343562.1).